The following is an entry in ClinVar:

ClinVar aggregate classification (germline): Uncertain significance (1 of 4 stars; one submission).

Conditions:
Nemaline myopathy 2 (NEM2). Also called: Nemaline myopathy 2, autosomal recessive. Identifiers: MedGen C1850569, MONDO:0009725, OMIM 256030.

Allele frequency attached by ClinVar (database versions not stated): gnomAD exomes 0.00001.
gnomAD v4.1: 12 of 1,613,794 alleles (0.00074%); highest among the groups gnomAD compares: Non-Finnish European, 0.001%; no homozygotes.

Submission:

Labcorp Genetics (formerly Invitae), Labcorp
Classification: Uncertain significance for Nemaline myopathy 2. Last evaluated: 2025-06-20. Review status: criteria provided, single submitter. Criteria: Invitae Variant Classification Sherloc (09022015). Collection method: clinical testing. Allele origin: germline.
Comment: This sequence change replaces isoleucine, which is neutral and non-polar, with serine, which is neutral and polar, at codon 5983 of the NEB protein (p.Ile5983Ser). This variant is not present in population databases (gnomAD no frequency). This variant has not been reported in the literature in individuals affected with NEB-related conditions. ClinVar contains an entry for this variant (Variation ID: 2165907). Experimental studies and prediction algorithms are not available or were not evaluated, and the functional significance of this variant is currently unknown. In summary, the available evidence is currently insufficient to determine the role of this variant in disease. Therefore, it has been classified as a Variant of Uncertain Significance.

NM_001164508.2(NEB):c.17948T>G (p.Ile5983Ser)

Gene: NEB (nebulin; minus strand). Cytogenetic location: 2q23.3.
Variant type: single nucleotide variant.
Coding change: c.17948T>G on transcript NM_001164508.2 (MANE Select); coding-DNA position 17948, T replaced by G.
Protein change: p.Ile5983Ser; replaces isoleucine 5983 with serine.
Molecular consequence: missense variant.
Genome position (GRCh38, 1-based): chr2:151,567,376, A>C on the plus strand (T>G on the coding strand, the complement: NEB is on the minus strand). VCF-style: chr2-151567376-A-C. GRCh37 (hg19) VCF-style: chr2-152423890-A-C.
Other names: c.17948T>G, p.Ile5983Ser (NM_001164507.2, NM_001271208.2); c.12845T>G, p.Ile4282Ser (NM_004543.5); short protein forms I5983S, I4282S.
Identifiers: ClinVar variation 2165907 (VCV002165907.4), dbSNP rs2552193779, ClinGen allele CA348803752.